The following is an entry in ClinVar:

ClinVar aggregate classification (germline): Pathogenic. Review status: reviewed by expert panel (3 of 4 stars). 3 submissions from 3 submitters: Pathogenic (1). 2 of the submissions do not count toward it. Last evaluated 2017-12-15.

Conditions:
Hereditary breast ovarian cancer syndrome. Also called: Hereditary breast and ovarian cancer syndrome (HBOC); Breast and ovarian cancer; Hereditary breast and ovarian cancer syndrome; Hereditary breast and ovarian cancer; BRCA1- and BRCA2-Associated Hereditary Breast and Ovarian Cancer; Hereditary breast and/or ovarian cancer syndrome. Identifiers: Orphanet 145, MedGen C0677776, MeSH D061325, MONDO:0003582. Disease mechanism: loss of function.
Breast-ovarian cancer, familial, susceptibility to, 1 (BROVCA1). Also called: BRCA1 Hereditary Breast and Ovarian Cancer; OVARIAN CANCER, SUSCEPTIBILITY TO. Identifiers: Orphanet 145, MedGen C2676676, MONDO:0011450, OMIM 604370. Disease mechanism: loss of function.

Submissions (3):

Evidence-based Network for the Interpretation of Germline Mutant Alleles (ENIGMA)
Classification: Pathogenic for Breast-ovarian cancer, familial, susceptibility to, 1. Last evaluated: 2017-12-15. Review status: reviewed by expert panel. Criteria: ENIGMA BRCA1/2 Classification Criteria (2017-06-29). Collection method: curation. Allele origin: germline. Study: ENIGMA.
Comment: Variant allele predicted to encode a truncated non-functional protein.

Labcorp Genetics (formerly Invitae), Labcorp
Classification: Pathogenic for Hereditary breast ovarian cancer syndrome. Last evaluated: 2022-08-23. Review status: criteria provided, single submitter. Criteria: Invitae Variant Classification Sherloc (09022015). Collection method: clinical testing. Allele origin: germline. Not counted in ClinVar's aggregate classification.
Comment: ClinVar contains an entry for this variant (Variation ID: 265362). For these reasons, this variant has been classified as Pathogenic. This variant has not been reported in the literature in individuals affected with BRCA1-related conditions. This variant is not present in population databases (gnomAD no frequency). This sequence change creates a premature translational stop signal (p.Leu283*) in the BRCA1 gene. It is expected to result in an absent or disrupted protein product. Loss-of-function variants in BRCA1 are known to be pathogenic (PMID: 20104584).

GeneDx
Classification: Pathogenic. Last evaluated: 2015-09-29. Review status: criteria provided, single submitter. Criteria: GeneDx Variant Classification (06012015). Collection method: clinical testing. Allele origin: germline. Affected: yes. Not counted in ClinVar's aggregate classification.
Comment: This deletion of 32 nucleotides is denoted BRCA1 c.848_879del32 at the cDNA level and p.Leu283Ter (L283X) at the protein level. The surrounding sequence is TCAT[del32]AAAG. The deletion creates a nonsense variant, which changes a Leucine to a premature stop codon. Although this variant has not been previously reported to our knowledge, it is predicted to cause loss of normal protein function through either protein truncation or nonsense-mediated mRNA decay, and is considered pathogenic.

Literature cited by the submitters: PubMed 20104584 (cited by Labcorp Genetics (formerly Invitae), Labcorp).

NM_007294.4(BRCA1):c.848_879del (p.Ser282_Leu283insTer)

Gene: BRCA1 (BRCA1 DNA repair associated; minus strand). Cytogenetic location: 17q21.31.
Variant type: Deletion.
Coding change: c.848_879del on transcript NM_007294.4 (MANE Select); coding-DNA positions 848 to 879, 32 bases deleted.
Protein change: p.Ser282_Leu283insTer.
Molecular consequence: nonsense. On other transcripts: frameshift variant (2), 5 prime UTR variant (2), intron variant (137).
Genome position (GRCh38, 1-based): chr17:43,094,652-43,094,683, 32 bases deleted; deleting any 32 consecutive bases within chr17:43,094,652-43,094,684 gives the same sequence; the c. name uses the placement nearest the transcript's 3' end. GRCh37 (hg19): chr17:41,246,670-41,246,701.
Other names: c.848_879delTACAGCATGAGAACAGCAGTTTATTACTCACT (NM_007294.3); c.848_879del32 (NM_007294.3); c.515_546del, p.Ser171_Leu172insTer (NM_001407947.1, NM_001407948.1, NM_001407949.1 and 6 more transcripts); c.512_543del, p.Ser170_Leu171insTer (NM_001407954.1, NM_001407955.1, NM_001407956.1 and 1 more transcripts); c.467_498del, p.Ser155_Leu156insTer (NM_001407959.1, NM_001407960.1, NM_001407963.1); c.464_495del, p.Ser154_Leu155insTer (NM_001407962.1); c.704_735del, p.Ser234_Leu235insTer (NM_001407964.1, NM_001407740.1, NM_001407741.1 and 20 more transcripts); c.344_375del, p.Ser114_Leu115insTer (NM_001407965.1); and 42 more.
Identifiers: ClinVar variation 265362 (VCV000265362.8), dbSNP rs886039501, ClinGen allele CA10588656.
Genomic context (GRCh38, chr17:43,094,651, plus strand): 5'-CTAAGCCAGGCTGTTTGCTTTTATTACAGAATTCAGCCTTTTCTACATTCATTCTGTCTT[TAGTGAGTAATAAACTGCTGTTCTCATGCTGTA>T]ATGAGCTGGCATGAGTATTTGTGCCACATGGCTCCACATGCAAGTTTGAAACAGAACTAC-3'